The following is an entry in ClinVar:

ClinVar aggregate classification (germline): Uncertain significance. Review status: criteria provided, multiple submitters, no conflicts (2 of 4 stars). 7 submissions from 7 submitters: Uncertain significance (5). 2 of the submissions do not count toward it. Last evaluated 2026-03-12.

Conditions:
Long QT syndrome (LQTS). Identifiers: MedGen C0023976, MeSH D008133, MONDO:0002442. Disease mechanism: loss of function. Inheritance: Various modes of inheritance.
Cardiovascular phenotype. Identifiers: MedGen CN230736.
Long QT syndrome 5 (LQT5). Identifiers: Orphanet 101016, Orphanet 768, MedGen C1867904, MONDO:0013372, OMIM 613695.
Jervell and Lange-Nielsen syndrome 2 (JLNS2). Identifiers: Orphanet 768, Orphanet 90647, MedGen C2676723, MONDO:0012871, OMIM 612347.

Allele frequency attached by ClinVar (database versions not stated): gnomAD 0.00001; gnomAD exomes 0.00002; ExAC 0.00004; ESP Exome Variant Server 0.00015.

Submissions (8):

Ambry Genetics
Classification: Uncertain significance for Cardiovascular phenotype. Last evaluated: 2026-03-12. Review status: criteria provided, single submitter. Criteria: Ambry Variant Classification Scheme 2023. Collection method: clinical testing. Allele origin: germline.

Labcorp Genetics (formerly Invitae), Labcorp
Classification: Uncertain significance for Long QT syndrome. Last evaluated: 2025-11-24. Review status: criteria provided, single submitter. Criteria: Invitae Variant Classification Sherloc (09022015). Collection method: clinical testing. Allele origin: germline.
Comment: This sequence change replaces leucine, which is neutral and non-polar, with phenylalanine, which is neutral and non-polar, at codon 48 of the KCNE1 protein (p.Leu48Phe). This variant is present in population databases (rs75610894, gnomAD 0.006%). This missense change has been observed in individual(s) with sudden unexplained death (PMID: 31337358). ClinVar contains an entry for this variant (Variation ID: 1060040). Invitae Evidence Modeling of protein sequence and biophysical properties (such as structural, functional, and spatial information, amino acid conservation, physicochemical variation, residue mobility, and thermodynamic stability) has been performed for this missense variant. However, the output from this modeling did not meet the statistical confidence thresholds required to predict the impact of this variant on KCNE1 protein function. Experimental studies are conflicting or provide insufficient evidence to determine the effect of this variant on KCNE1 function (PMID: 38816749). In summary, the available evidence is currently insufficient to determine the role of this variant in disease. Therefore, it has been classified as a Variant of Uncertain Significance.

GeneDx
Classification: Uncertain significance. Last evaluated: 2025-11-06. Review status: criteria provided, single submitter. Criteria: GeneDx Variant Classification Process June 2021. Collection method: clinical testing. Allele origin: germline. Affected: yes.
Comment: Reported in a patient with sudden arrhythmic death syndrome (SADS) (PMID: 31337358); however, additional clinical information was not provided; In silico analysis supports that this missense variant has a deleterious effect on protein structure/function; This variant is associated with the following publications: (PMID: 31337358)

Blueprint Genetics
Classification: Uncertain significance. Last evaluated: 2023-08-23. Review status: criteria provided, single submitter. Criteria: ACMG Guidelines, 2015. Collection method: clinical testing. Allele origin: germline.

Fulgent Genetics
Classification: Uncertain significance for Jervell and Lange-Nielsen syndrome 2; Long QT syndrome 5. Last evaluated: 2021-08-10. Review status: criteria provided, single submitter. Criteria: ACMG Guidelines, 2015. Collection method: clinical testing. Allele origin: unknown.

Clinical Genetics DNA and cytogenetics Diagnostics Lab, Erasmus MC, Erasmus Medical Center
Classification: Uncertain significance. Review status: no assertion criteria provided. Collection method: clinical testing. Allele origin: germline. Affected: yes. Study: VKGL Data-share Consensus. Not counted in ClinVar's aggregate classification.

Genome Diagnostics Laboratory, University Medical Center Utrecht
Classification: Uncertain significance. Review status: no assertion criteria provided. Collection method: clinical testing. Allele origin: germline. Affected: yes. Study: VKGL Data-share Consensus. Not counted in ClinVar's aggregate classification.

Roden Lab, Vanderbilt University Medical Center
No classification provided (evidence only). Condition: Long QT syndrome 5. Review status: no classification provided. Collection method: in vitro. Allele origin: not applicable. Functional consequence: Effect on ion channel function. Not counted in ClinVar's aggregate classification.
ClinVar note: "not provided" was previously submitted as the classification for the variant. However, the classification appeared to be based only on an observation of functional data so it was converted to no classification on 2025-07-30.

Literature cited by the submitters: PubMed 31337358 (cited by Labcorp Genetics (formerly Invitae), Labcorp); PubMed 38816749 (cited by Labcorp Genetics (formerly Invitae), Labcorp).

NM_000219.6(KCNE1):c.142C>T (p.Leu48Phe)

Gene: KCNE1 (potassium voltage-gated channel subfamily E regulatory subunit 1; minus strand). Cytogenetic location: 21q22.12.
Variant type: single nucleotide variant.
Coding change: c.142C>T on transcript NM_000219.6 (MANE Select); coding-DNA position 142, C replaced by T.
Protein change: p.Leu48Phe; replaces leucine 48 with phenylalanine.
Molecular consequence: missense variant.
Genome position (GRCh38, 1-based): chr21:34,449,493, G>A on the plus strand (C>T on the coding strand, the complement: KCNE1 is on the minus strand). VCF-style: chr21-34449493-G-A. GRCh37 (hg19) VCF-style: chr21-35821791-G-A.
Other names: c.142C>T, p.Leu48Phe (NM_001127668.4, NM_001127669.4, NM_001127670.4 and 4 more transcripts); short protein forms L48F.
Identifiers: ClinVar variation 1060040 (VCV001060040.20), dbSNP rs75610894, ClinGen allele CA320425421.